The following is an entry in ClinVar:

ClinVar aggregate classification (germline): Uncertain significance (1 of 4 stars; one submission).

Conditions:
Inborn genetic diseases. Identifiers: MedGen C0950123, MeSH D030342.

Submission:

Ambry Genetics
Classification: Uncertain significance for Inborn genetic diseases. Last evaluated: 2026-05-14. Review status: criteria provided, single submitter. Criteria: Ambry Variant Classification Scheme 2023. Collection method: clinical testing. Allele origin: germline.
Comment: The p.H164Q variant (also known as c.492C>A), located in coding exon 1 of the FANCM gene, results from a C to A substitution at nucleotide position 492. The histidine at codon 164 is replaced by glutamine, an amino acid with highly similar properties. This amino acid position is conserved. In addition, this alteration is predicted to be tolerated by in silico analysis. Based on the available evidence, the clinical significance of this variant remains unclear.

NM_020937.4(FANCM):c.492C>A (p.His164Gln)

Gene: FANCM (FA complementation group M; plus strand). Cytogenetic location: 14q21.2.
Variant type: single nucleotide variant.
Coding change: c.492C>A on transcript NM_020937.4 (MANE Select); coding-DNA position 492, C replaced by A.
Protein change: p.His164Gln; replaces histidine 164 with glutamine.
Molecular consequence: missense variant.
Genome position (GRCh38, 1-based): chr14:45,136,523, C>A. VCF-style: chr14-45136523-C-A. GRCh37 (hg19) VCF-style: chr14-45605726-C-A.
Other names: c.492C>A, p.His164Gln (NM_001308133.2, NM_001308134.2); short protein forms H164Q.
Identifiers: ClinVar variation 4871125 (VCV004871125.1).
Genomic context (GRCh38, chr14:45,136,523, plus strand): 5'-ACCCTTGGTGACACAGCAGATCGAGGCTTGCTACCAGGTGATGGGTATCCCGCAATCCCA[C>A]ATGGCCGAAATGACAGGTATCTTAGACTGGACTAATTTTGAAGTAAGAGCTGGGAATTCC-3'
Protein context (NP_065988.1, residues 154-174): CYQVMGIPQS[His164Gln]MAEMTGSTQA